The following is an entry in ClinVar:

ClinVar aggregate classification (germline): Uncertain significance. Review status: criteria provided, multiple submitters, no conflicts (2 of 4 stars). 3 submissions from 3 submitters: Uncertain significance (3). Last evaluated 2025-04-09.

Conditions:
Hereditary cancer-predisposing syndrome. Also called: Hereditary neoplastic syndrome; Tumor predisposition; Neoplastic Syndromes, Hereditary; Hereditary Cancer Syndrome. Identifiers: Orphanet 140162, MedGen C0027672, MeSH D009386, MONDO:0015356.
Isolated focal cortical dysplasia type II (FCORD2). Also called: Focal cortical dysplasia type II; CORTICAL DYSPLASIA OF TAYLOR. Identifiers: Orphanet 268994, MedGen C1846385, MONDO:0011818, OMIM 607341, HP:0032051.
Tuberous sclerosis 2 (TSC2). Identifiers: Orphanet 805, MedGen C1860707, MONDO:0013199, OMIM 613254.

gnomAD v4.1: 1 of 1,612,960 alleles (0.000062%); no homozygotes.

Submissions (3):

Ambry Genetics
Classification: Uncertain significance for Hereditary cancer-predisposing syndrome. Last evaluated: 2025-04-09. Review status: criteria provided, single submitter. Criteria: Ambry Variant Classification Scheme 2023. Collection method: clinical testing. Allele origin: germline.
Comment: The p.P1709S variant (also known as c.5125C>T), located in coding exon 39 of the TSC2 gene, results from a C to T substitution at nucleotide position 5125. The proline at codon 1709 is replaced by serine, an amino acid with similar properties. This amino acid position is well conserved in available vertebrate species. In addition, the in silico prediction for this alteration is inconclusive. Based on the available evidence, the clinical significance of this variant remains unclear.

Labcorp Genetics (formerly Invitae), Labcorp
Classification: Uncertain significance for Tuberous sclerosis 2. Last evaluated: 2024-04-02. Review status: criteria provided, single submitter. Criteria: Invitae Variant Classification Sherloc (09022015). Collection method: clinical testing. Allele origin: germline.
Comment: This sequence change replaces proline, which is neutral and non-polar, with serine, which is neutral and polar, at codon 1709 of the TSC2 protein (p.Pro1709Ser). This variant is not present in population databases (gnomAD no frequency). This variant has not been reported in the literature in individuals affected with TSC2-related conditions. ClinVar contains an entry for this variant (Variation ID: 960849). Advanced modeling of protein sequence and biophysical properties (such as structural, functional, and spatial information, amino acid conservation, physicochemical variation, residue mobility, and thermodynamic stability) performed at Invitae indicates that this missense variant is not expected to disrupt TSC2 protein function with a negative predictive value of 95%. This variant disrupts the p.Pro1709 amino acid residue in TSC2. Other variant(s) that disrupt this residue have been determined to be pathogenic (PMID: 8824881, 10732801, 11112665, 11520734, 22867869, 22903760). This suggests that this residue is clinically significant, and that variants that disrupt this residue are likely to be disease-causing. In summary, the available evidence is currently insufficient to determine the role of this variant in disease. Therefore, it has been classified as a Variant of Uncertain Significance.

Baylor Genetics
Classification: Uncertain significance for Isolated focal cortical dysplasia type II. Last evaluated: 2024-02-04. Review status: criteria provided, single submitter. Criteria: ACMG Guidelines, 2015. Collection method: clinical testing. Allele origin: unknown.

Literature cited by the submitters: PubMed 8824881 (cited by Labcorp Genetics (formerly Invitae), Labcorp); PubMed 10732801 (cited by Labcorp Genetics (formerly Invitae), Labcorp); PubMed 11112665 (cited by Labcorp Genetics (formerly Invitae), Labcorp); PubMed 11520734 (cited by Labcorp Genetics (formerly Invitae), Labcorp); PubMed 22867869 (cited by Labcorp Genetics (formerly Invitae), Labcorp); PubMed 22903760 (cited by Labcorp Genetics (formerly Invitae), Labcorp).

NM_000548.5(TSC2):c.5125C>T (p.Pro1709Ser)

Gene: TSC2 (TSC complex subunit 2; plus strand). Cytogenetic location: 16p13.3.
Variant type: single nucleotide variant.
Coding change: c.5125C>T on transcript NM_000548.5 (MANE Select); coding-DNA position 5125, C replaced by T.
Protein change: p.Pro1709Ser; replaces proline 1709 with serine.
Molecular consequence: missense variant.
Genome position (GRCh38, 1-based): chr16:2,088,104, C>T. VCF-style: chr16-2088104-C-T. GRCh37 (hg19) VCF-style: chr16-2138105-C-T.
Other names: c.4924C>T, p.Pro1642Ser (NM_001077183.3); c.5056C>T, p.Pro1686Ser (NM_001114382.3); c.4816C>T, p.Pro1606Ser (NM_001318827.2); c.4780C>T, p.Pro1594Ser (NM_001318829.2); c.4393C>T, p.Pro1465Ser (NM_001318831.2); c.4957C>T, p.Pro1653Ser (NM_001318832.2); c.4927C>T, p.Pro1643Ser (NM_001363528.2); c.4993C>T, p.Pro1665Ser (NM_001370404.1); and 1 more; short protein forms P1594S, P1642S, P1643S, P1653S, P1666S, P1686S, P1465S, P1709S.
Identifiers: ClinVar variation 960849 (VCV000960849.11), dbSNP rs2091094853, ClinGen allele CA394312416.
Genomic context (GRCh38, chr16:2,088,104, plus strand): 5'-CCAGACATGGAGGGCCTTGTGGACACCAGCGTGGCCAAGATCGTGTCTGACCGCAACCTG[C>T]CCTTCGTGGCCCGCCAGATGGCCCTGCACGCAAATGTGAGTGGGGGTGGGTCCAGGCGTG-3'
Protein context (NP_000539.2, residues 1699-1719): VAKIVSDRNL[Pro1709Ser]FVARQMALHA